The following is an entry in ClinVar:

NM_001354483.2(CSGALNACT1):c.1167G>C (p.Gln389His)

Gene: CSGALNACT1 (chondroitin sulfate N-acetylgalactosaminyltransferase 1; minus strand). Cytogenetic location: 8p21.3.
Variant type: single nucleotide variant.
Coding change: c.1167G>C on transcript NM_001354483.2 (MANE Select); coding-DNA position 1167, G replaced by C.
Protein change: p.Gln389His; replaces glutamine 389 with histidine.
Molecular consequence: missense variant. On other transcripts: non-coding transcript variant (7).
Genome position (GRCh38, 1-based): chr8:19,418,716, C>G on the plus strand (G>C on the coding strand, the complement: CSGALNACT1 is on the minus strand). VCF-style: chr8-19418716-C-G. GRCh37 (hg19) VCF-style: chr8-19276227-C-G.
Other names: c.1167G>C, p.Gln389His (NM_001130518.2, NM_001354475.2, NM_001354476.2 and 18 more transcripts); short protein forms Q389H.
Identifiers: ClinVar variation 2061426 (VCV002061426.4), dbSNP rs2537989399, ClinGen allele CA370459435.

ClinVar aggregate classification (germline): Uncertain significance (1 of 4 stars; one submission).

gnomAD v4.1: 2 of 1,613,588 alleles (0.00012%); highest among the groups gnomAD compares: Admixed American, 0.0017%; no homozygotes.

Submission:

Labcorp Genetics (formerly Invitae), Labcorp
Classification: Uncertain significance. Last evaluated: 2022-07-19. Review status: criteria provided, single submitter. Criteria: Invitae Variant Classification Sherloc (09022015). Collection method: clinical testing. Allele origin: germline.
Comment: This sequence change replaces glutamine, which is neutral and polar, with histidine, which is basic and polar, at codon 389 of the CSGALNACT1 protein (p.Gln389His). In summary, the available evidence is currently insufficient to determine the role of this variant in disease. Therefore, it has been classified as a Variant of Uncertain Significance. Algorithms developed to predict the effect of missense changes on protein structure and function are either unavailable or do not agree on the potential impact of this missense change (SIFT: "Deleterious"; PolyPhen-2: "Probably Damaging"; Align-GVGD: "Class C0"). This variant has not been reported in the literature in individuals affected with CSGALNACT1-related conditions. This variant is not present in population databases (gnomAD no frequency).